The following is an entry in ClinVar:

NM_000441.2(SLC26A4):c.2162C>T (p.Thr721Met)

Genes: SLC26A4 (solute carrier family 26 member 4; plus strand), LOC123956210 (Sharpr-MPRA regulatory region 3291; plus strand). Cytogenetic location: 7q22.3.
Variant type: single nucleotide variant.
Coding change: c.2162C>T on transcript NM_000441.2 (MANE Select); coding-DNA position 2162, C replaced by T.
Protein change: p.Thr721Met; replaces threonine 721 with methionine.
Molecular consequence: missense variant.
Genome position (GRCh38, 1-based): chr7:107,710,126, C>T. VCF-style: chr7-107710126-C-T. GRCh37 (hg19) VCF-style: chr7-107350571-C-T.
Other names: short protein forms T721M.
Identifiers: ClinVar variation 4826 (VCV000004826.37), dbSNP rs121908363, ClinGen allele CA253308.
Genomic context (GRCh38, chr7:107,710,126, plus strand): 5'-AAAAGCTGGAGCAATGCGGGTTCTTTGACGACAACATTAGAAAGGACACATTCTTTTTGA[C>T]GGTCCATGATGCTATACTCTATCTACAGAACCAAGTGAAATCTCAAGAGGGTCAAGGTTC-3'
Protein context (NP_000432.1, residues 711-731): DNIRKDTFFL[Thr721Met]VHDAILYLQN

ClinVar aggregate classification (germline): Pathogenic/Likely pathogenic. Review status: criteria provided, multiple submitters, no conflicts (2 of 4 stars). 20 submissions from 18 submitters: Pathogenic (14); Likely pathogenic (1). 5 of the submissions do not count toward it. Last evaluated 2026-01-06.

Conditions:
SLC26A4-related disorder. Also called: SLC26A4-related disorders; SLC26A4-related condition.
Rare genetic deafness. Identifiers: Orphanet 96210, MedGen C5680250.
Pendred syndrome (PDS). Also called: Pendred Syndrome (PDS); THYROID DYSHORMONOGENESIS 2B; THYROID HORMONOGENESIS, GENETIC DEFECT IN, 2B; DEAFNESS WITH GOITER; Pendred's syndrome; GOITER-DEAFNESS SYNDROME. Identifiers: Orphanet 705, MedGen C0271829, MONDO:0010134, OMIM 274600.
Autosomal recessive nonsyndromic hearing loss 4 (DFNB4). Also called: Enlarged vestibular aqueduct, digenic; FOXI1-Related Pendred Syndrome; KCNJ10-Related Pendred Syndrome; Nonsyndromic enlarged vestibular aqueduct (NSEVA); Deafness, autosomal recessive 4, with enlarged vestibular aqueduct; DEAFNESS, AUTOSOMAL RECESSIVE 4, WITH ENLARGED VESTIBULAR AQUEDUCT, DIGENIC. Identifiers: Orphanet 90636, MedGen C3538946, MONDO:0010933, OMIM 600791.

Allele frequency attached by ClinVar (database versions not stated): gnomAD exomes 0.00005; TOPMed 0.00002; gnomAD 0.00003; ExAC 0.00006.
gnomAD v4.1: 28 of 1,607,208 alleles (0.0017%); highest among the groups gnomAD compares: Admixed American, 0.022%; no homozygotes.

Submissions 1 to 12 of 20:

Labcorp Genetics (formerly Invitae), Labcorp
Classification: Pathogenic. Last evaluated: 2026-01-06. Review status: criteria provided, single submitter. Criteria: Invitae Variant Classification Sherloc (09022015). Collection method: clinical testing. Allele origin: germline.
Comment: This sequence change replaces threonine, which is neutral and polar, with methionine, which is neutral and non-polar, at codon 721 of the SLC26A4 protein (p.Thr721Met). The frequency data for this variant in the population databases is considered unreliable, as metrics indicate poor data quality at this position in the gnomAD database. This missense change has been observed in individual(s) with enlarged vestibular aqueduct and hearing loss (PMID: 10190331, 26763877, 28964290). In at least one individual the data is consistent with being in trans (on the opposite chromosome) from a pathogenic variant. It has also been observed to segregate with disease in related individuals. ClinVar contains an entry for this variant (Variation ID: 4826). Invitae Evidence Modeling of protein sequence and biophysical properties (such as structural, functional, and spatial information, amino acid conservation, physicochemical variation, residue mobility, and thermodynamic stability) indicates that this missense variant is expected to disrupt SLC26A4 protein function with a positive predictive value of 95%. Experimental studies have shown that this missense change affects SLC26A4 function (PMID: 20826203). For these reasons, this variant has been classified as Pathogenic.

Natera, Inc.
Classification: Pathogenic for Pendred syndrome. Last evaluated: 2025-09-03. Review status: criteria provided, single submitter. Criteria: Natera Variant Classification Schema (03/2026). Collection method: clinical testing. Allele origin: germline.
Comment: The c.2162C>T variant in SLC26A4 is a missense variant predicted to cause substitution of threonine to methionine at amino acid 721. This variant is rare in the general population with a frequency below the threshold expected for the associated phenotype(s). This variant has been observed in one or more individuals affected with the associated recessive disease, as either homozygous or compound heterozygous with a second variant (PMID: 26969326, 31427586, 32645618). Computational prediction algorithms indicate this variant is likely to affect gene or protein function. Given the available evidence, this variant is classified as Pathogenic.

GeneDx
Classification: Pathogenic. Last evaluated: 2025-08-11. Review status: criteria provided, single submitter. Criteria: GeneDx Variant Classification Process June 2021. Collection method: clinical testing. Allele origin: germline. Affected: yes.
Comment: Observed in homozygous state in patients with SLC26A4-related disorders in the literature and not observed in homozygous state in controls (PMID: 18813951, 12112665); Published functional studies demonstrate a damaging effect; variant protein is retained in the cytoplasm leading to the loss of normal anion transporter activity (PMID: 20826203); In silico analysis supports that this missense variant has a deleterious effect on protein structure/function; This variant is associated with the following publications: (PMID: 15355436, 11748854, 29871341, 28964290, 26004784, 14508505, 25266519, 17443271, 34697379, 31541171, 12676893, 10190331, 20597900, 27176802, 21704276, 17949297, 23185506, 26763877, 24599119, 12112665, 31427586, 31599023, 30275481, 31589614, 32447495, 15905611, 32645618, 34801268, 35853923, 18813951, 20826203)

Variantyx, Inc.
Classification: Likely pathogenic for Autosomal recessive nonsyndromic hearing loss 4. Last evaluated: 2025-03-17. Review status: criteria provided, single submitter. Criteria: Variantyx Assertion Criteria 2022. Collection method: clinical testing. Allele origin: germline.
Comment: This is a nonsynonymous variant in the SLC26A4 gene (OMIM: 605646). Pathogenic variants in this gene have been associated with autosomal recessive hearing loss 4 with enlarged vestibular aqueduct. This variant has been identified in the homozygous or compound heterozygous state in at least two individual(s) from the published literature (PMID: 32447495, 31427586) (PM3_Strong). This variant has been observed to segregate with disease in at least 2 individuals from 1 family (PMID: 10190331) (PP1). Multiple computational algorithms predict a deleterious effect for this variant (REVEL score: 0.864) (PP3). This variant has a 0.0217% maximum allele frequency in non-founder control populations. Based on the current evidence, this variant is classified as likely pathogenic for autosomal recessive hearing loss 4 with enlarged vestibular aqueduct.

Victorian Clinical Genetics Services, Murdoch Childrens Research Institute
Classification: Pathogenic for Autosomal recessive nonsyndromic hearing loss 4. Last evaluated: 2024-10-09. Review status: criteria provided, single submitter. Criteria: ACMG Guidelines, 2015. Collection method: clinical testing. Allele origin: germline. Inheritance: Autosomal recessive inheritance. Affected: yes.
Comment: Based on the classification scheme VCGS_Germline_v1.3.4, this variant is classified as Pathogenic. Following criteria are met: 0102 - Loss of function is a known mechanism of disease in this gene and is associated with deafness, autosomal recessive 4, with enlarged vestibular aqueduct (MIM#600791) and Pendred syndrome (MIM#274600). (I) 0106 - This gene is associated with autosomal recessive disease. (I) 0115 - Variants in this gene are known to have variable expressivity (PMID: 20301640). (I) 0200 - Variant is predicted to result in a missense amino acid change from threonine to methionine. (I) 0251 - This variant is heterozygous. (I) 0304 - Variant is present in gnomAD <0.01 for a recessive condition (v2: 13 heterozygotes, 0 homozygotes). (SP) 0309 - An alternative amino acid change at the same position has been observed in gnomAD (v3) (1 heterozygote, 0 homozygotes). (I) 0501 - Missense variant consistently predicted to be damaging by multiple in silico tools or highly conserved with a major amino acid change. (SP) 0600 - Variant is located in the annotated STAS domain (DECIPHER). (I) 0801 - This variant has strong previous evidence of pathogenicity in unrelated individuals. This variant has been classified as pathogenic by multiple clinical laboratories in ClinVar. (SP) 1208 - Inheritance information for this variant is not currently available in this individual. (I) Legend: (SP) - Supporting pathogenic, (I) - Information, (SB) - Supporting benign

Fulgent Genetics
Classification: Pathogenic for Pendred syndrome; Autosomal recessive nonsyndromic hearing loss 4. Last evaluated: 2024-05-24. Review status: criteria provided, single submitter. Criteria: ACMG Guidelines, 2015. Collection method: clinical testing. Allele origin: germline.

Baylor Genetics
Classification: Pathogenic for Autosomal recessive nonsyndromic hearing loss 4. Last evaluated: 2024-01-19. Review status: criteria provided, single submitter. Criteria: ACMG Guidelines, 2015. Collection method: clinical testing. Allele origin: unknown.

Genome-Nilou Lab
Classification: Pathogenic for Autosomal recessive nonsyndromic hearing loss 4. Last evaluated: 2021-09-05. Review status: criteria provided, single submitter. Criteria: ACMG Guidelines, 2015. Collection method: clinical testing. Allele origin: germline. Affected: no.

Genome-Nilou Lab
Classification: Pathogenic for Pendred syndrome. Last evaluated: 2021-09-05. Review status: criteria provided, single submitter. Criteria: ACMG Guidelines, 2015. Collection method: clinical testing. Allele origin: germline. Affected: no.

Blueprint Genetics
Classification: Pathogenic for SLC26A4-related disorders. Last evaluated: 2021-02-09. Review status: criteria provided, single submitter. Criteria: ACMG Guidelines, 2015. Collection method: clinical testing. Allele origin: germline. Affected: yes. Observed: 3 variant alleles.

Revvity Omics, Revvity
Classification: Pathogenic. Last evaluated: 2019-08-16. Review status: criteria provided, single submitter. Criteria: ACMG Guidelines, 2015. Collection method: clinical testing. Allele origin: germline.

Division of Hearing and Balance Research, National Hospital Organization Tokyo Medical Center
Classification: Pathogenic for Autosomal recessive nonsyndromic hearing loss 4. Last evaluated: 2017-07-01. Review status: criteria provided, single submitter. Criteria: Submitter's publication. Collection method: clinical testing. Allele origin: germline. Affected: yes. Observed: 1 variant allele.